The following is an entry in ClinVar:

ClinVar aggregate classification (germline): Likely benign. Review status: criteria provided, multiple submitters, no conflicts (2 of 4 stars). 3 submissions from 3 submitters: Likely benign (2). 1 of the submissions does not count toward it. Last evaluated 2026-01-20.

Conditions:
SON-related disorder. Also called: SON-related condition.

Allele frequency attached by ClinVar (database versions not stated): TOPMed 0.00006.
gnomAD v4.1: 82 of 1,613,984 alleles (0.0051%); highest among the groups gnomAD compares: Non-Finnish European, 0.0064%; no homozygotes.

Submissions (3):

Labcorp Genetics (formerly Invitae), Labcorp
Classification: Likely benign. Last evaluated: 2026-01-20. Review status: criteria provided, single submitter. Criteria: Invitae Variant Classification Sherloc (09022015). Collection method: clinical testing. Allele origin: germline.

Blueprint Genetics
Classification: Likely benign. Last evaluated: 2021-04-15. Review status: criteria provided, single submitter. Criteria: ACMG Guidelines, 2015. Collection method: clinical testing. Allele origin: germline.

PreventionGenetics, part of Exact Sciences
Classification: Likely benign for SON-related condition. Last evaluated: 2019-03-14. Review status: no assertion criteria provided. Collection method: clinical testing. Allele origin: germline. Not counted in ClinVar's aggregate classification.
Comment: This variant is classified as likely benign based on ACMG/AMP sequence variant interpretation guidelines (Richards et al. 2015 PMID: 25741868, with internal and published modifications).

NM_138927.4(SON):c.1074G>A (p.Pro358=)

Gene: SON (SON DNA and RNA binding protein; plus strand). Cytogenetic location: 21q22.11.
Variant type: single nucleotide variant.
Coding change: c.1074G>A on transcript NM_138927.4 (MANE Select); coding-DNA position 1074, G replaced by A.
Protein change: p.Pro358=; no amino-acid change (proline 358 retained).
Molecular consequence: synonymous variant. On other transcripts: non-coding transcript variant (1), intron variant (1).
Genome position (GRCh38, 1-based): chr21:33,550,305, G>A. VCF-style: chr21-33550305-G-A. GRCh37 (hg19) VCF-style: chr21-34922611-G-A.
Other names: c.1074G>A, p.Pro358= (NM_001291411.2, NM_032195.3); c.244+3926G>A (NM_001291412.3); c.1074G>A (NM_138927.2).
Identifiers: ClinVar variation 713747 (VCV000713747.10), dbSNP rs370296512, ClinGen allele CA10008806.